The following is an entry in ClinVar:

NM_021628.3(ALOXE3):c.981C>A (p.Asp327Glu)

Gene: ALOXE3 (arachidonate epidermal lipoxygenase 3; minus strand). Cytogenetic location: 17p13.1.
Variant type: single nucleotide variant.
Coding change: c.981C>A on transcript NM_021628.3 (MANE Select); coding-DNA position 981, C replaced by A.
Protein change: p.Asp327Glu; replaces aspartic acid 327 with glutamic acid.
Molecular consequence: missense variant.
Genome position (GRCh38, 1-based): chr17:8,110,505, G>T on the plus strand (C>A on the coding strand, the complement: ALOXE3 is on the minus strand). VCF-style: chr17-8110505-G-T. GRCh37 (hg19) VCF-style: chr17-8013823-G-T.
Other names: c.1377C>A, p.Asp459Glu (NM_001165960.1); c.978C>A, p.Asp326Glu (NM_001369446.1); short protein forms D326E, D327E, D459E.
Identifiers: ClinVar variation 4075000 (VCV004075000.3).

ClinVar aggregate classification (germline): Conflicting classifications of pathogenicity. Review status: criteria provided, conflicting classifications (1 of 4 stars). 3 submissions from 3 submitters: Pathogenic (1); Likely pathogenic (1); Uncertain significance (1). Last evaluated 2026-02-23.

Conditions:
ALOXE3-related disorder. Also called: ALOXE3-related condition.
Autosomal recessive congenital ichthyosis (ARCI). Identifiers: Orphanet 281097, MedGen C1274215, MONDO:0017265.

gnomAD v4.1: 10 of 1,613,970 alleles (0.00062%); highest among the groups gnomAD compares: Non-Finnish European, 0.00085%; no homozygotes.

Submissions (3):

Women's Health and Genetics/Laboratory Corporation of America, LabCorp
Classification: Uncertain significance. Last evaluated: 2026-02-23. Review status: criteria provided, single submitter. Criteria: LabCorp Variant Classification Summary - May 2015. Collection method: clinical testing. Allele origin: germline.
Comment: Variant summary: ALOXE3 c.981C>A (p.Asp327Glu) results in a conservative amino acid change in the encoded protein sequence. Algorithms developed to predict the effect of missense changes on protein structure and function are either unavailable or do not agree on the potential impact of this missense change. The variant was absent in 250278 control chromosomes. c.981C>A has been observed in compound heterozygous individuals affected with Lamellar Ichthyosis (e.g. Simpson_2020, Saat_2022). These data indicate that the variant may be associated with disease. To our knowledge, no experimental evidence demonstrating an impact on protein function has been reported. The following publications have been ascertained in the context of this evaluation (PMID: 35734965, 31168818). ClinVar contains an entry for this variant (Variation ID: 4075000). Based on the evidence outlined above, the variant was classified as VUS-possibly pathogenic.

Blueprint Genetics
Classification: Likely pathogenic for ALOXE3-related disorders. Last evaluated: 2021-02-23. Review status: criteria provided, single submitter. Criteria: ACMG Guidelines, 2015. Collection method: clinical testing. Allele origin: germline. Affected: yes. Observed: 2 variant alleles.

Cambridge Genomics Laboratory, East Genomic Laboratory Hub, NHS Genomic Medicine Service
Classification: Pathogenic for Autosomal recessive congenital ichthyosis. Last evaluated: 2019-09-26. Review status: criteria provided, single submitter. Criteria: ACGS Best Practice Guidelines for Variant Classification in Rare Disease 2020. Collection method: clinical testing. Allele origin: germline. Affected: yes. Observed: 1 variant allele.

Literature cited by the submitters: PubMed 31168818 (cited by Women's Health and Genetics/Laboratory Corporation of America, LabCorp); PubMed 35734965 (cited by Women's Health and Genetics/Laboratory Corporation of America, LabCorp).